The following is an entry in ClinVar:

NM_014391.3(ANKRD1):c.319G>T (p.Val107Leu)

Gene: ANKRD1 (ankyrin repeat domain 1; minus strand). Cytogenetic location: 10q23.31.
Variant type: single nucleotide variant.
Coding change: c.319G>T on transcript NM_014391.3 (MANE Select); coding-DNA position 319, G replaced by T.
Protein change: p.Val107Leu; replaces valine 107 with leucine.
Molecular consequence: missense variant.
Genome position (GRCh38, 1-based): chr10:90,919,157, C>A on the plus strand (G>T on the coding strand, the complement: ANKRD1 is on the minus strand). VCF-style: chr10-90919157-C-A. GRCh37 (hg19) VCF-style: chr10-92678914-C-A.
Other names: p.V107L:GTA>TTA; short protein forms V107L.
Identifiers: ClinVar variation 45630 (VCV000045630.35), dbSNP rs114435632, ClinGen allele CA136833.

ClinVar aggregate classification (germline): Benign/Likely benign. Review status: criteria provided, multiple submitters, no conflicts (2 of 4 stars). 13 submissions from 13 submitters: Benign (3); Likely benign (6). 4 of the submissions do not count toward it. Last evaluated 2026-01-26.

Conditions:
Cardiovascular phenotype. Identifiers: MedGen CN230736.
Cardiomyopathy (CMYO). Also called: Cardiomyopathies. Identifiers: Orphanet 167848, MedGen C0878544, MONDO:0004994, HP:0001638. Inheritance: Various modes of inheritance.
ANKRD1-related dilated cardiomyopathy. Identifiers: MedGen CN119551.
Primary dilated cardiomyopathy (DCM). Also called: Dilated Cardiomyopathy. Identifiers: Orphanet 217604, MedGen C0007193, MeSH D002311, MONDO:0005021, HP:0001644. Inheritance: Various modes of inheritance.

Allele frequency attached by ClinVar (database versions not stated): gnomAD exomes 0.00021 and 0.00058; ExAC 0.00072; 1000 Genomes Project 0.00180; 1000 Genomes Project 30x 0.00219; gnomAD 0.00240 and 0.00269; TOPMed 0.00255; ESP Exome Variant Server 0.00300.
gnomAD v4.1: 682 of 1,612,840 alleles (0.042%); highest among the groups gnomAD compares: African/African-American, 0.82%; 2 homozygotes.

Submissions (13):

Labcorp Genetics (formerly Invitae), Labcorp
Classification: Benign for ANKRD1-related dilated cardiomyopathy. Last evaluated: 2026-01-26. Review status: criteria provided, single submitter. Criteria: Invitae Variant Classification Sherloc (09022015). Collection method: clinical testing. Allele origin: germline.

Women's Health and Genetics/Laboratory Corporation of America, LabCorp
Classification: Likely benign. Last evaluated: 2023-08-19. Review status: criteria provided, single submitter. Criteria: LabCorp Variant Classification Summary - May 2015. Collection method: clinical testing. Allele origin: germline.

ARUP Laboratories, Molecular Genetics and Genomics, ARUP Laboratories
Classification: Likely benign. Last evaluated: 2021-04-13. Review status: criteria provided, single submitter. Criteria: ARUP Molecular Germline Variant Investigation Process 2021. Collection method: clinical testing. Allele origin: germline.

GeneDx
Classification: Likely benign. Last evaluated: 2020-10-07. Review status: criteria provided, single submitter. Criteria: GeneDx Variant Classification Process June 2021. Collection method: clinical testing. Allele origin: germline. Affected: yes.
Comment: This variant is associated with the following publications: (PMID: 23299917, 20981092, 19608030, 19608032, 27143260, 27896284)

Ambry Genetics
Classification: Likely benign for Cardiovascular phenotype. Last evaluated: 2018-08-30. Review status: criteria provided, single submitter. Criteria: Ambry General Variant Classification Scheme_2022. Collection method: clinical testing. Allele origin: germline. Observed: 1 variant allele.

CHEO Genetics Diagnostic Laboratory, Children's Hospital of Eastern Ontario
Classification: Likely benign for Cardiomyopathy. Last evaluated: 2017-02-16. Review status: criteria provided, single submitter. Criteria: ACMG Guidelines, 2015. Collection method: clinical testing. Allele origin: germline. Study: Canadian Open Genetics Repository.

Molecular Diagnostic Laboratory for Inherited Cardiovascular Disease, Montreal Heart Institute
Classification: Benign. Last evaluated: 2016-08-30. Review status: criteria provided, single submitter. Criteria: ACMG Guidelines, 2015. Collection method: clinical testing. Allele origin: germline. Affected: yes.

Laboratory for Molecular Medicine, Mass General Brigham Personalized Medicine
Classification: Likely benign. Last evaluated: 2015-08-21. Review status: criteria provided, single submitter. Criteria: LMM Criteria. Collection method: clinical testing. Allele origin: germline. Observed: 5 variant alleles.
Comment: p.Val107Leu in exon 3 of ANKRD1: This variant is not expected to have clinical s ignificance because it has been identified in 0.8% (81/10346) of African chromos omes by the Exome Aggregation Consortium (ExAC; dbSNP rs114435632).

Biesecker Lab/Clinical Genomics Section, National Institutes of Health
Classification: Benign for Cardiomyopathy, dilated. Last evaluated: 2013-06-24. Review status: criteria provided, single submitter. Criteria: Ng et al. (Circ Cardiovasc Genet. 2013). Collection method: research. Allele origin: unknown. Observed: 1 variant allele. Study: ClinSeq.
Comment: The study set was not selected for affection status in relation to any cancer. Pathogenicity categories were based on literature curation. See Pubmed ID:23861362 for details.

Medical sequencing

Clinical Genetics DNA and cytogenetics Diagnostics Lab, Erasmus MC, Erasmus Medical Center
Classification: Likely benign. Review status: no assertion criteria provided. Collection method: clinical testing. Allele origin: germline. Affected: yes. Study: VKGL Data-share Consensus. Not counted in ClinVar's aggregate classification.

Clinical Genetics, Academic Medical Center
Classification: Benign. Review status: no assertion criteria provided. Collection method: clinical testing. Allele origin: germline. Affected: yes. Study: VKGL Data-share Consensus. Not counted in ClinVar's aggregate classification.

Genome Diagnostics Laboratory, University Medical Center Utrecht
Classification: Likely benign. Review status: no assertion criteria provided. Collection method: clinical testing. Allele origin: germline. Affected: yes. Study: VKGL Data-share Consensus. Not counted in ClinVar's aggregate classification.

Joint Genome Diagnostic Labs from Nijmegen and Maastricht, Radboudumc and MUMC+
Classification: Likely benign. Review status: no assertion criteria provided. Collection method: clinical testing. Allele origin: germline. Affected: yes. Study: VKGL Data-share Consensus. Not counted in ClinVar's aggregate classification.